The following is an entry in ClinVar:

NM_007373.4(SHOC2):c.263C>G (p.Ala88Gly)

Gene: SHOC2 (SHOC2 leucine rich repeat scaffold protein; plus strand). Cytogenetic location: 10q25.2.
Variant type: single nucleotide variant.
Coding change: c.263C>G on transcript NM_007373.4 (MANE Select); coding-DNA position 263, C replaced by G.
Protein change: p.Ala88Gly; replaces alanine 88 with glycine.
Molecular consequence: missense variant.
Genome position (GRCh38, 1-based): chr10:110,964,621, C>G. VCF-style: chr10-110964621-C-G. GRCh37 (hg19) VCF-style: chr10-112724379-C-G.
Other names: c.263C>G, p.Ala88Gly (NM_001269039.3, NM_001324336.2, NM_001324337.2); short protein forms A88G.
Identifiers: ClinVar variation 1719439 (VCV001719439.5), dbSNP rs1342173871, ClinGen allele CA378383196.
Genomic context (GRCh38, chr10:110,964,621, plus strand): 5'-TTGACAATACGATCAAACGGCCAAACCCAGCACCTGGGACTAGAAAAAAATCCAGCAATG[C>G]AGAGGTGATTAAAGAGCTCAACAAATGCCGGGAAGAGAATTCAATGCGTTTGGACTTATC-3'
Protein context (NP_031399.2, residues 78-98): APGTRKKSSN[Ala88Gly]EVIKELNKCR

ClinVar aggregate classification (germline): Uncertain significance (1 of 4 stars; one submission).

Conditions:
RASopathy. Also called: rasopathies; Noonan spectrum disorder. Identifiers: Orphanet 536391, MedGen C5555857, MONDO:0021060.

Allele frequency attached by ClinVar (database versions not stated): TOPMed below 0.00001.

Submission:

Labcorp Genetics (formerly Invitae), Labcorp
Classification: Uncertain significance for RASopathy. Last evaluated: 2022-09-14. Review status: criteria provided, single submitter. Criteria: Invitae Variant Classification Sherloc (09022015). Collection method: clinical testing. Allele origin: germline.
Comment: This sequence change replaces alanine, which is neutral and non-polar, with glycine, which is neutral and non-polar, at codon 88 of the SHOC2 protein (p.Ala88Gly). This variant is present in population databases (no rsID available, gnomAD 0.0009%). This variant has not been reported in the literature in individuals affected with SHOC2-related conditions. Advanced modeling of protein sequence and biophysical properties (such as structural, functional, and spatial information, amino acid conservation, physicochemical variation, residue mobility, and thermodynamic stability) performed at Invitae indicates that this missense variant is not expected to disrupt SHOC2 protein function. In summary, the available evidence is currently insufficient to determine the role of this variant in disease. Therefore, it has been classified as a Variant of Uncertain Significance.